The following is an entry in ClinVar:

NM_001374736.1(DST):c.5029G>T (p.Ala1677Ser)

Gene: DST (dystonin; minus strand). Cytogenetic location: 6p12.1.
Variant type: single nucleotide variant.
Coding change: c.5029G>T on transcript NM_001374736.1 (MANE Select); coding-DNA position 5029, G replaced by T.
Protein change: p.Ala1677Ser; replaces alanine 1677 with serine.
Molecular consequence: missense variant.
Genome position (GRCh38, 1-based): chr6:56,614,385, C>A on the plus strand (G>T on the coding strand, the complement: DST is on the minus strand). VCF-style: chr6-56614385-C-A. GRCh37 (hg19) VCF-style: chr6-56479183-C-A.
Other names: c.4930G>T, p.Ala1644Ser (NM_001144769.5); c.4516G>T, p.Ala1506Ser (NM_001144770.2); c.5029G>T, p.Ala1677Ser (NM_001374722.1); c.4396G>T, p.Ala1466Ser (NM_001374729.1, NM_001374730.1, NM_001386100.1 and 1 more transcripts); c.5056G>T, p.Ala1686Ser (NM_001374734.1); c.3418G>T, p.Ala1140Ser (NM_015548.5); short protein forms A1140S, A1466S, A1506S, A1644S, A1677S, A1686S.
Identifiers: ClinVar variation 646788 (VCV000646788.10), dbSNP rs370590691, ClinGen allele CA3869836.
Genomic context (GRCh38, chr6:56,614,385, plus strand): 5'-ATTATTATTAAACCAGGACTTCTGTGAATACCTTTTGCTTAGAGAAGGGAGGTTTTCCAG[C>A]CTTCTCTGCATCTTTCAATGTCTTGCTGATATTTGATACCCATTTTTGCAATTCTTTGGC-3'
Protein context (NP_001361665.1, residues 1667-1687): ISKTLKDAEK[Ala1677Ser]GKPPFSKQKI

ClinVar aggregate classification (germline): Uncertain significance. Review status: criteria provided, multiple submitters, no conflicts (2 of 4 stars). 3 submissions from 3 submitters: Uncertain significance (3). Last evaluated 2024-12-09.

Conditions:
Inborn genetic diseases. Identifiers: MedGen C0950123, MeSH D030342.
Epidermolysis bullosa simplex 3, localized or generalized intermediate, with BP230 deficiency (EBS3). Also called: Epidermolysis bullosa simplex due to BP230 deficiency; Epidermolysis bullosa simplex, autosomal recessive 2. Identifiers: Orphanet 412181, MedGen C3809470, MONDO:0014180, OMIM 615425.
Hereditary sensory and autonomic neuropathy type 6. Also called: Neuropathy, hereditary sensory and autonomic, type VI; HSAN VI. Identifiers: Orphanet 314381, MedGen C3539003, MONDO:0013839, OMIM 614653.

Allele frequency attached by ClinVar (database versions not stated): gnomAD 0.00006; ExAC 0.00008; gnomAD exomes 0.00011; TOPMed 0.00015; ESP Exome Variant Server 0.00017.
gnomAD v4.1: 284 of 1,607,822 alleles (0.018%); highest among the groups gnomAD compares: Non-Finnish European, 0.023%; 1 homozygote.

Submissions (3):

Labcorp Genetics (formerly Invitae), Labcorp
Classification: Uncertain significance for Epidermolysis bullosa simplex 3, localized or generalized intermediate, with BP230 deficiency; Hereditary sensory and autonomic neuropathy type 6. Last evaluated: 2024-12-09. Review status: criteria provided, single submitter. Criteria: Invitae Variant Classification Sherloc (09022015). Collection method: clinical testing. Allele origin: germline.
Comment: The DST gene has multiple clinically relevant transcripts. This variant occurs in alternate transcript NM_015548.4, and corresponds to NM_001723.5:c.*1132G>T in the primary transcript. This sequence change replaces alanine, which is neutral and non-polar, with serine, which is neutral and polar, at codon 1140 of the DST protein (p.Ala1140Ser). This variant is present in population databases (rs370590691, gnomAD 0.02%). This variant has not been reported in the literature in individuals affected with DST-related conditions. Experimental studies and prediction algorithms are not available or were not evaluated, and the functional significance of this variant is currently unknown. In summary, the available evidence is currently insufficient to determine the role of this variant in disease. Therefore, it has been classified as a Variant of Uncertain Significance.

Ambry Genetics
Classification: Uncertain significance for Inborn genetic diseases. Last evaluated: 2020-10-27. Review status: criteria provided, single submitter. Criteria: Ambry Variant Classification Scheme 2023. Collection method: clinical testing. Allele origin: germline.
Comment: The p.A1644S variant (also known as c.4930G>T), located in coding exon 36 of the DST gene, results from a G to T substitution at nucleotide position 4930. The alanine at codon 1644 is replaced by serine, an amino acid with similar properties. This amino acid position is well conserved in available vertebrate species. In addition, this alteration is predicted to be tolerated by in silico analysis. Since supporting evidence is limited at this time, the clinical significance of this alteration remains unclear.

GeneDx
Classification: Uncertain significance. Last evaluated: 2019-05-24. Review status: criteria provided, single submitter. Criteria: GeneDx Variant Classification Process June 2021. Collection method: clinical testing. Allele origin: germline. Affected: yes.
Comment: Has not been previously published as pathogenic or benign to our knowledge